The following is an entry in ClinVar:

ClinVar aggregate classification (germline): Conflicting classifications of pathogenicity. Review status: criteria provided, conflicting classifications (1 of 4 stars). 10 submissions from 10 submitters: Uncertain significance (2); Benign (4); Likely benign (2). 2 of the submissions do not count toward it. Last evaluated 2026-01-31.

Conditions:
SGCD-related disorder. Also called: SGCD-related condition.
Dilated cardiomyopathy 1L (CMD1L). Identifiers: Orphanet 154, MedGen C1847667, MONDO:0011702, OMIM 606685.
Autosomal recessive limb-girdle muscular dystrophy type 2F (LGMDR6). Also called: MUSCULAR DYSTROPHY, LIMB-GIRDLE, AUTOSOMAL RECESSIVE 6; Muscular dystrophy limb-girdle with delta-sarcoglyan deficiency. Identifiers: Orphanet 219, MedGen C1832525, MONDO:0011028, OMIM 601287. Disease mechanism: Affects gamma-sarcoglycan and also disrupts the integrity of the entire sarcoglycan complex..

Allele frequency attached by ClinVar (database versions not stated): ExAC 0.00097; 1000 Genomes Project 30x 0.00203; gnomAD 0.00019 and 0.00031; gnomAD exomes 0.00085; 1000 Genomes Project 0.00240; TOPMed 0.00039.
gnomAD v4.1: 358 of 1,596,596 alleles (0.022%); highest among the groups gnomAD compares: East Asian, 0.7%; 2 homozygotes.

Submissions (10):

Labcorp Genetics (formerly Invitae), Labcorp
Classification: Benign for Autosomal recessive limb-girdle muscular dystrophy type 2F. Last evaluated: 2026-01-31. Review status: criteria provided, single submitter. Criteria: Invitae Variant Classification Sherloc (09022015). Collection method: clinical testing. Allele origin: germline.

Women's Health and Genetics/Laboratory Corporation of America, LabCorp
Classification: Benign. Last evaluated: 2025-11-04. Review status: criteria provided, single submitter. Criteria: LabCorp Variant Classification Summary - May 2015. Collection method: clinical testing. Allele origin: germline.

GeneDx
Classification: Likely benign. Last evaluated: 2018-03-27. Review status: criteria provided, single submitter. Criteria: GeneDx Variant Classification Process June 2021. Collection method: clinical testing. Allele origin: germline. Affected: yes.
Comment: See Variant Classification Assertion Criteria.

Eurofins Ntd Llc (ga)
Classification: Likely benign. Last evaluated: 2017-11-03. Review status: criteria provided, single submitter. Criteria: EGL Classification Definitions 2015. Collection method: clinical testing. Allele origin: germline. Observed: 1 variant allele, 1 heterozygote.

Athena Diagnostics
Classification: Benign. Last evaluated: 2017-09-12. Review status: criteria provided, single submitter. Criteria: Athena Diagnostics Criteria. Collection method: clinical testing. Allele origin: germline.

Laboratory for Molecular Medicine, Mass General Brigham Personalized Medicine
Classification: Benign. Last evaluated: 2014-11-06. Review status: criteria provided, single submitter. Criteria: LMM Criteria. Collection method: clinical testing. Allele origin: germline. Observed: 9 variant alleles.
Comment: p.Asp239Glu in exon 8 of SGCD: This variant is not expected to have clinical sig nificance because has been reported in multiple Asian individuals with various c ardiomyopathies and did not segregate with disease in 2 affected relatives in on e family. In addition, it has been identified in 0.3% (2/572) of Asian chromosom es by the 1000 Genomes Project (dbSNP rs180898690) and in 1.5% (54/3652) East As ian chromosomes by the Exome Aggregation Consortium (ExAC).

Stanford Center for Inherited Cardiovascular Disease, Stanford University
Classification: Uncertain significance. Last evaluated: 2014-06-02. Review status: criteria provided, single submitter. Criteria: ACMG Guidelines, 2015. Collection method: provider interpretation. Allele origin: germline.

Biesecker Lab/Clinical Genomics Section, National Institutes of Health
Classification: Uncertain significance. Last evaluated: 2013-06-24. Review status: criteria provided, single submitter. Criteria: Ng et al. (Circ Cardiovasc Genet. 2013). Collection method: research. Allele origin: unknown. Observed: 1 variant allele. Study: ClinSeq.
Comment: The study set was not selected for affection status in relation to any cancer. Pathogenicity categories were based on literature curation. See Pubmed ID:23861362 for details.

Medical sequencing

PreventionGenetics, part of Exact Sciences
Classification: Benign for SGCD-related condition. Last evaluated: 2024-08-20. Review status: no assertion criteria provided. Collection method: clinical testing. Allele origin: germline. Not counted in ClinVar's aggregate classification.
Comment: This variant is classified as benign based on ACMG/AMP sequence variant interpretation guidelines (Richards et al. 2015 PMID: 25741868, with internal and published modifications).

Counsyl
Classification: Likely benign for Dilated cardiomyopathy 1L; Autosomal recessive limb-girdle muscular dystrophy type 2F. Last evaluated: 2017-11-19. Review status: no assertion criteria provided. Collection method: clinical testing. Allele origin: unknown. Not counted in ClinVar's aggregate classification.

Literature cited by the submitters: PubMed 28412737 (cited by Athena Diagnostics and Counsyl); PubMed 24503780 (cited by Counsyl); PubMed 23861362 (cited by Counsyl).

NM_000337.6(SGCD):c.699+18C>G

Gene: SGCD (sarcoglycan delta; plus strand). Cytogenetic location: 5q33.3.
Variant type: single nucleotide variant.
Coding change: c.699+18C>G on transcript NM_000337.6 (MANE Select); 18 bases into the intron after coding-DNA position 699, C replaced by G.
Molecular consequence: intron variant. On other transcripts: missense variant (1).
Genome position (GRCh38, 1-based): chr5:156,757,722, C>G. VCF-style: chr5-156757722-C-G. GRCh37 (hg19) VCF-style: chr5-156184733-C-G.
Other names: c.717C>G, p.Asp239Glu (NM_172244.3); c.696+18C>G (NM_001128209.2); short protein forms D239E.
Identifiers: ClinVar variation 48123 (VCV000048123.25), dbSNP rs180898690, ClinGen allele CA142644.